The following is an entry in ClinVar:

NM_001004749.2(OR51A7):c.816G>A (p.Val272=)

Genes: MMP26 (matrix metallopeptidase 26; plus strand), OR51A7 (olfactory receptor family 51 subfamily A member 7; plus strand). Cytogenetic location: 11p15.4.
Variant type: single nucleotide variant.
Coding change: c.816G>A on transcript NM_001004749.2 (MANE Select); coding-DNA position 816, G replaced by A.
Protein change: p.Val272=; no amino-acid change (valine 272 retained).
Molecular consequence: synonymous variant. On other transcripts: intron variant (2).
Genome position (GRCh38, 1-based): chr11:4,908,185, G>A. VCF-style: chr11-4908185-G-A. GRCh37 (hg19) VCF-style: chr11-4929415-G-A.
Other names: c.-144-79883G>A (NM_021801.5); c.-152-80085G>A (NM_001384608.1).
Identifiers: ClinVar variation 2641536 (VCV002641536.24), dbSNP rs780414495, ClinGen allele CA5836631.
Genomic context (GRCh38, chr11:4,908,185, plus strand): 5'-GCCCATCATCACCCTGGCTGCCATGCATCACTTTGCCAAGCACAAAAGCCCTCTTGTTGT[G>A]ATCCTTATTGCAGATATGTTCTTGTTGGTGCCGCCCCTTATGAACCCCATTGTGTACTGT-3'
Protein context (NP_001004749.1, residues 262-282): HFAKHKSPLV[Val272=]ILIADMFLLV

ClinVar aggregate classification (germline): Likely benign (1 of 4 stars; one submission).

Allele frequency attached by ClinVar (database versions not stated): gnomAD 0.00001; TOPMed 0.00001; gnomAD exomes 0.00008; ExAC 0.00023; 1000 Genomes Project 30x 0.00031.
gnomAD v4.1: 124 of 1,614,158 alleles (0.0077%); highest among the groups gnomAD compares: South Asian, 0.11%; 2 homozygotes.

Submission:

CeGaT Center for Human Genetics Tuebingen
Classification: Likely benign. Last evaluated: 2022-04-01. Review status: criteria provided, single submitter. Criteria: CeGaT Center For Human Genetics Tuebingen Variant Classification Criteria Version 2. Collection method: clinical testing. Allele origin: germline. Affected: yes. Observed: 1 variant allele.
Comment: OR51A7: BP4, BP7